The following is an entry in ClinVar:

ClinVar aggregate classification (germline): Benign/Likely benign. Review status: criteria provided, multiple submitters, no conflicts (2 of 4 stars). 18 submissions from 18 submitters: Benign (4); Likely benign (6). 8 of the submissions do not count toward it. Last evaluated 2026-02-03.

Conditions:
BRCA1-related disorder. Also called: BRCA1-related condition.
Breast and/or ovarian cancer. Identifiers: MedGen CN221562.
Hereditary cancer-predisposing syndrome. Also called: Tumor predisposition; Hereditary neoplastic syndrome; Hereditary Cancer Syndrome; Neoplastic Syndromes, Hereditary. Identifiers: Orphanet 140162, MedGen C0027672, MeSH D009386, MONDO:0015356.
Hereditary breast ovarian cancer syndrome. Also called: Hereditary breast and/or ovarian cancer syndrome; Breast and ovarian cancer; Hereditary breast and ovarian cancer syndrome; Hereditary breast and ovarian cancer; Hereditary breast and ovarian cancer syndrome (HBOC); BRCA1- and BRCA2-Associated Hereditary Breast and Ovarian Cancer. Identifiers: Orphanet 145, MedGen C0677776, MeSH D061325, MONDO:0003582. Disease mechanism: loss of function.
Breast-ovarian cancer, familial, susceptibility to, 1 (BROVCA1). Also called: BRCA1 Hereditary Breast and Ovarian Cancer; OVARIAN CANCER, SUSCEPTIBILITY TO. Identifiers: Orphanet 145, MedGen C2676676, MONDO:0011450, OMIM 604370. Disease mechanism: loss of function.
Familial cancer of breast. Also called: Hereditary breast cancer; hereditary breast carcinoma; BREAST CANCER, FAMILIAL. Identifiers: Orphanet 227535, MedGen C0346153, MONDO:0016419, OMIM 114480. Disease mechanism: loss of function.

Allele frequency attached by ClinVar (database versions not stated): gnomAD exomes 0.00002; ExAC 0.00003; gnomAD 0.00003 and 0.00004; TOPMed 0.00008.
gnomAD v4.1: 94 of 1,611,840 alleles (0.0058%); highest among the groups gnomAD compares: East Asian, 0.047%; 3 homozygotes.

Submissions (18):

Labcorp Genetics (formerly Invitae), Labcorp
Classification: Benign for Hereditary breast ovarian cancer syndrome. Last evaluated: 2026-02-03. Review status: criteria provided, single submitter. Criteria: Invitae Variant Classification Sherloc (09022015). Collection method: clinical testing. Allele origin: germline.

Center for Genomic Medicine, Rigshospitalet, Copenhagen University Hospital
Classification: Likely benign. Last evaluated: 2025-03-04. Review status: criteria provided, single submitter. Criteria: ACMG Guidelines, 2015. Collection method: clinical testing. Allele origin: germline.

Mayo Clinic Laboratories, Mayo Clinic
Classification: Likely benign. Last evaluated: 2025-01-30. Review status: criteria provided, single submitter. Criteria: ACMG Guidelines, 2015. Collection method: clinical testing. Allele origin: germline. Observed: 2 variant alleles.
Comment: BS1_supporting, BP4, BP7

Blueprint Genetics
Classification: Likely benign. Last evaluated: 2024-11-08. Review status: criteria provided, single submitter. Criteria: ACMG Guidelines, 2015. Collection method: clinical testing. Allele origin: germline.

ARUP Laboratories, Molecular Genetics and Genomics, ARUP Laboratories
Classification: Benign. Last evaluated: 2024-10-10. Review status: criteria provided, single submitter. Criteria: ARUP Molecular Germline Variant Investigation Process 2024. Collection method: clinical testing. Allele origin: germline.

CHEO Genetics Diagnostic Laboratory, Children's Hospital of Eastern Ontario
Classification: Likely benign for Breast and/or ovarian cancer. Last evaluated: 2021-06-14. Review status: criteria provided, single submitter. Criteria: ACMG Guidelines, 2015. Collection method: clinical testing. Allele origin: germline.

Women's Health and Genetics/Laboratory Corporation of America, LabCorp
Classification: Benign. Last evaluated: 2021-03-19. Review status: criteria provided, single submitter. Criteria: LabCorp Variant Classification Summary - May 2015. Collection method: clinical testing. Allele origin: germline.
Comment: Variant summary: BRCA1 c.4357+17A>G alters a non-conserved nucleotide located close to a canonical splice site and therefore could affect mRNA splicing, leading to a significantly altered protein sequence. 4/4 computational tools predict no significant impact on normal splicing. However, these predictions have yet to be confirmed by functional studies. The variant allele was found at a frequency of 2e-05 in 250958 control chromosomes. The available data on variant occurrences in the general population are insufficient to allow any conclusion about variant significance. c.4357+17A>G has been reported in the literature in individuals affected with breast cancer (e.g. Borg_2010, Trujilliano_2014). These report(s) do not provide unequivocal conclusions about association of the variant with Hereditary Breast And Ovarian Cancer Syndrome. At-least one co-occurrence with another pathogenic variant(s) have been observed at our laboratory (BRCA2 c.3599_3600delGT, p.Cys1200*), providing supporting evidence for a benign role. To our knowledge, no experimental evidence demonstrating an impact on protein function has been reported. Six clinical diagnostic laboratories have submitted clinical-significance assessments for this variant to ClinVar after 2014 without evidence for independent evaluation. All laboratories classified the variant as benign/likely benign. Based on the evidence outlined above, the variant was classified as benign.

Baylor Genetics
Classification: Benign for Familial cancer of breast. Last evaluated: 2017-02-23. Review status: criteria provided, single submitter. Criteria: ACMG Guidelines, 2015. Collection method: clinical testing. Allele origin: germline. Inheritance: Autosomal dominant inheritance. Affected: no.

Ambry Genetics
Classification: Likely benign for Hereditary cancer-predisposing syndrome. Last evaluated: 2015-10-16. Review status: criteria provided, single submitter. Criteria: Ambry Variant Classification Scheme 2023. Collection method: clinical testing. Allele origin: germline.

Color Diagnostics, LLC DBA Color Health
Classification: Likely benign for Hereditary cancer-predisposing syndrome. Last evaluated: 2015-04-13. Review status: criteria provided, single submitter. Criteria: ACMG Guidelines, 2015. Collection method: clinical testing. Allele origin: germline.

PreventionGenetics, part of Exact Sciences
Classification: Likely benign for BRCA1-related condition. Last evaluated: 2021-04-14. Review status: no assertion criteria provided. Collection method: clinical testing. Allele origin: germline. Not counted in ClinVar's aggregate classification.
Comment: This variant is classified as likely benign based on ACMG/AMP sequence variant interpretation guidelines (Richards et al. 2015 PMID: 25741868, with internal and published modifications).

Counsyl
Classification: Likely benign for Breast-ovarian cancer, familial, susceptibility to, 1. Last evaluated: 2016-09-08. Review status: no assertion criteria provided. Collection method: clinical testing. Allele origin: unknown. Not counted in ClinVar's aggregate classification.

University of Washington Department of Laboratory Medicine, University of Washington
Classification: Likely benign for Hereditary cancer-predisposing syndrome. Last evaluated: 2015-12-01. Review status: no assertion criteria provided. Collection method: clinical testing. Allele origin: germline. Affected: yes. Not counted in ClinVar's aggregate classification.

Breast Cancer Information Core (BIC) (BRCA1)
Classification: Uncertain significance for Breast-ovarian cancer, familial 1. Last evaluated: 2006-07-19. Review status: no assertion criteria provided. Collection method: clinical testing. Allele origin: germline. Affected: yes. Observed: 1 variant allele. Not counted in ClinVar's aggregate classification.

Clinical Genetics DNA and cytogenetics Diagnostics Lab, Erasmus MC, Erasmus Medical Center
Classification: Benign. Review status: no assertion criteria provided. Collection method: clinical testing. Allele origin: germline. Affected: yes. Study: VKGL Data-share Consensus. Not counted in ClinVar's aggregate classification.

Clinical Genetics Laboratory, Department of Pathology, Netherlands Cancer Institute
Classification: Likely benign. Review status: no assertion criteria provided. Collection method: clinical testing. Allele origin: germline. Affected: yes. Study: VKGL Data-share Consensus. Not counted in ClinVar's aggregate classification.

Department of Pathology and Laboratory Medicine, Sinai Health System
Classification: Uncertain significance. Review status: no assertion criteria provided. Collection method: clinical testing. Allele origin: unknown. Affected: yes. Observed: 3 variant alleles. Study: The Canadian Open Genetics Repository (COGR). Not counted in ClinVar's aggregate classification.

Laboratory of Diagnostic Genome Analysis, Leiden University Medical Center (LUMC)
Classification: Likely benign. Review status: no assertion criteria provided. Collection method: clinical testing. Allele origin: germline. Affected: yes. Study: VKGL Data-share Consensus. Not counted in ClinVar's aggregate classification.

Literature cited by the submitters: PubMed 20104584 (cited by Women's Health and Genetics/Laboratory Corporation of America, LabCorp and Counsyl); PubMed 25556971 (cited by Women's Health and Genetics/Laboratory Corporation of America, LabCorp).

NM_007294.4(BRCA1):c.4357+17A>G

Gene: BRCA1 (BRCA1 DNA repair associated; minus strand). Cytogenetic location: 17q21.31.
Variant type: single nucleotide variant.
Coding change: c.4357+17A>G on transcript NM_007294.4 (MANE Select); 17 bases into the intron after coding-DNA position 4357, A replaced by G.
Molecular consequence: intron variant.
Genome position (GRCh38, 1-based): chr17:43,082,387, T>C on the plus strand (A>G on the coding strand, the complement: BRCA1 is on the minus strand). VCF-style: chr17-43082387-T-C. GRCh37 (hg19) VCF-style: chr17-41234404-T-C.
Other names: IVS13+17A>G; p.?; c.907+17A>G (NM_001408458.1, NM_001408453.1, NM_001408461.1 and 8 more transcripts); c.3469+17A>G (NM_001407967.1, NM_001407966.1); c.3976+17A>G (NM_001407959.1, NM_001407960.1); c.4090+17A>G (NM_001407931.1, NM_001407932.1, NM_001407935.1 and 3 more transcripts); c.4213+17A>G (NM_001407747.1, NM_001407839.1, NM_001407745.1 and 23 more transcripts); c.3973+17A>G (NM_001407962.1, NM_001407963.1); and 53 more.
Identifiers: ClinVar variation 125709 (VCV000125709.40), dbSNP rs80358180, ClinGen allele CA002785.